The following is an entry in ClinVar:

ClinVar aggregate classification (germline): Likely benign (1 of 4 stars; one submission).

Conditions:
PCDH15-related disorder. Also called: PCDH15-related condition; PCDH15-related disorders.

gnomAD v4.1: 31 of 1,613,670 alleles (0.0019%); highest among the groups gnomAD compares: East Asian, 0.0045%; no homozygotes.

Submission:

PreventionGenetics, part of Exact Sciences
Classification: Likely benign for PCDH15-related condition. Last evaluated: 2026-01-20. Review status: criteria provided, single submitter. Criteria: ACMG Guidelines, 2015. Collection method: clinical testing. Allele origin: germline.
Comment: This variant is classified as likely benign based on ACMG/AMP sequence variant interpretation guidelines (Richards et al. 2015 PMID: 25741868, with internal and published modifications).

NM_001384140.1(PCDH15):c.4671+1441G>A

Gene: PCDH15 (protocadherin related 15; minus strand). Cytogenetic location: 10q21.1.
Variant type: single nucleotide variant.
Coding change: c.4671+1441G>A on transcript NM_001384140.1 (MANE Select); 1441 bases into the intron after coding-DNA position 4671, G replaced by A.
Molecular consequence: intron variant. On other transcripts: synonymous variant (2), 3 prime UTR variant (1).
Genome position (GRCh38, 1-based): chr10:53,809,115, C>T on the plus strand (G>A on the coding strand, the complement: PCDH15 is on the minus strand). VCF-style: chr10-53809115-C-T. GRCh37 (hg19) VCF-style: chr10-55568875-C-T.
Other names: c.4950G>A, p.Ser1650= (NM_001142769.4); c.*365G>A (NM_001142770.3); c.4929G>A, p.Ser1643= (NM_001354411.2); c.4476+1441G>A (NM_001354420.2); c.4605+1441G>A (NM_001354429.2); c.4482+1441G>A (NM_001142772.2); c.4497+1441G>A (NM_001142771.2).
Identifiers: ClinVar variation 4999832 (VCV004999832.1).